The following is an entry in ClinVar:

NM_001035.3(RYR2):c.8683T>C (p.Phe2895Leu)

Gene: RYR2 (ryanodine receptor 2; plus strand). Cytogenetic location: 1q43.
Variant type: single nucleotide variant.
Coding change: c.8683T>C on transcript NM_001035.3 (MANE Select); coding-DNA position 8683, T replaced by C.
Protein change: p.Phe2895Leu; replaces phenylalanine 2895 with leucine.
Molecular consequence: missense variant.
Genome position (GRCh38, 1-based): chr1:237,674,188, T>C. VCF-style: chr1-237674188-T-C. GRCh37 (hg19) VCF-style: chr1-237837488-T-C.
Other names: short protein forms F2895L.
Identifiers: ClinVar variation 2766752 (VCV002766752.3), dbSNP rs2547213748, ClinGen allele CA345403107.

ClinVar aggregate classification (germline): Uncertain significance (1 of 4 stars; one submission).

Conditions:
Catecholaminergic polymorphic ventricular tachycardia 1. Also called: RYR2-Related Catecholaminergic Polymorphic Ventricular Tachycardia; VENTRICULAR TACHYCARDIA, STRESS-INDUCED POLYMORPHIC 1; VENTRICULAR TACHYCARDIA, CATECHOLAMINERGIC POLYMORPHIC, 1, WITH OR WITHOUT ATRIAL DYSFUNCTION AND/OR DILATED CARDIOMYOPATHY. Identifiers: Orphanet 3286, MedGen C1631597, MONDO:0011484, OMIM 604772.

Submission:

Labcorp Genetics (formerly Invitae), Labcorp
Classification: Uncertain significance for Catecholaminergic polymorphic ventricular tachycardia 1. Last evaluated: 2023-11-15. Review status: criteria provided, single submitter. Criteria: Invitae Variant Classification Sherloc (09022015). Collection method: clinical testing. Allele origin: germline.
Comment: This sequence change replaces phenylalanine, which is neutral and non-polar, with leucine, which is neutral and non-polar, at codon 2895 of the RYR2 protein (p.Phe2895Leu). This variant is not present in population databases (gnomAD no frequency). This variant has not been reported in the literature in individuals affected with RYR2-related conditions. Advanced modeling of protein sequence and biophysical properties (such as structural, functional, and spatial information, amino acid conservation, physicochemical variation, residue mobility, and thermodynamic stability) has been performed at Invitae for this missense variant, however the output from this modeling did not meet the statistical confidence thresholds required to predict the impact of this variant on RYR2 protein function. In summary, the available evidence is currently insufficient to determine the role of this variant in disease. Therefore, it has been classified as a Variant of Uncertain Significance.